The following is an entry in ClinVar:

ClinVar aggregate classification (germline): Uncertain significance. Review status: criteria provided, multiple submitters, no conflicts (2 of 4 stars). 2 submissions from 2 submitters: Uncertain significance (2). Last evaluated 2025-03-03.

Conditions:
Developmental and epileptic encephalopathy, 37 (DEE37). Also called: Epileptic encephalopathy, early infantile, 37. Identifiers: MedGen C4310770, MONDO:0014859, OMIM 616981.

Allele frequency attached by ClinVar (database versions not stated): gnomAD 0.00001; TOPMed 0.00001.
gnomAD v4.1: 6 of 1,258,148 alleles (0.00048%); highest among the groups gnomAD compares: South Asian, 0.0023%; no homozygotes.

Submissions (2):

Labcorp Genetics (formerly Invitae), Labcorp
Classification: Uncertain significance for Developmental and epileptic encephalopathy, 37. Last evaluated: 2025-03-03. Review status: criteria provided, single submitter. Criteria: Invitae Variant Classification Sherloc (09022015). Collection method: clinical testing. Allele origin: germline.
Comment: This sequence change replaces proline, which is neutral and non-polar, with leucine, which is neutral and non-polar, at codon 30 of the FRRS1L protein (p.Pro30Leu). The frequency data for this variant in the population databases is considered unreliable, as metrics indicate insufficient coverage at this position in the gnomAD database. This variant has not been reported in the literature in individuals affected with FRRS1L-related conditions. ClinVar contains an entry for this variant (Variation ID: 657353). An algorithm developed to predict the effect of missense changes on protein structure and function outputs the following: PolyPhen-2: "Not Available". The leucine amino acid residue is found in multiple mammalian species, which suggests that this missense change does not adversely affect protein function. In summary, the available evidence is currently insufficient to determine the role of this variant in disease. Therefore, it has been classified as a Variant of Uncertain Significance.

CeGaT Center for Human Genetics Tuebingen
Classification: Uncertain significance. Last evaluated: 2022-07-01. Review status: criteria provided, single submitter. Criteria: CeGaT Center For Human Genetics Tuebingen Variant Classification Criteria Version 2. Collection method: clinical testing. Allele origin: germline. Affected: yes. Observed: 1 variant allele.
Comment: FRRS1L: PM2

NM_014334.4(FRRS1L):c.-65C>T

Gene: FRRS1L (ferric chelate reductase 1 like; minus strand). Cytogenetic location: 9q31.3.
Variant type: single nucleotide variant.
Coding change: c.-65C>T on transcript NM_014334.4 (MANE Select); 65 bases upstream of the start codon, C replaced by T.
Molecular consequence: 5 prime UTR variant.
Genome position (GRCh38, 1-based): chr9:109,167,203, G>A on the plus strand (C>T on the coding strand, the complement: FRRS1L is on the minus strand). VCF-style: chr9-109167203-G-A. GRCh37 (hg19) VCF-style: chr9-111929483-G-A.
Identifiers: ClinVar variation 657353 (VCV000657353.38), dbSNP rs1218516340, ClinGen allele CA374430939.